The following is an entry in ClinVar:

ClinVar aggregate classification (germline): Uncertain significance (1 of 4 stars; one submission).

Submission:

Labcorp Genetics (formerly Invitae), Labcorp
Classification: Uncertain significance. Last evaluated: 2022-05-21. Review status: criteria provided, single submitter. Criteria: Invitae Variant Classification Sherloc (09022015). Collection method: clinical testing. Allele origin: germline.
Comment: In summary, the available evidence is currently insufficient to determine the role of this variant in disease. Therefore, it has been classified as a Variant of Uncertain Significance. Algorithms developed to predict the effect of sequence changes on RNA splicing suggest that this variant may create or strengthen a splice site. Experimental studies and prediction algorithms are not available or were not evaluated, and the functional significance of this variant is currently unknown. This variant has not been reported in the literature in individuals affected with ALPK3-related conditions. This variant is present in population databases (no rsID available, gnomAD 0.0009%). This variant, c.2027_2028insCACACACTCCTTGACCCTCCAGCC, results in the insertion of 8 amino acid(s) of the ALPK3 protein (p.Thr677_Arg678insHisSerLeuThrLeuGlnProThr), but otherwise preserves the integrity of the reading frame.

NM_020778.5(ALPK3):c.1421_1422insCACACACTCCTTGACCCTCCAGCC (p.Thr475_Arg476insHisSerLeuThrLeuGlnProThr)

Gene: ALPK3 (alpha kinase 3; plus strand). Cytogenetic location: 15q25.3.
Variant type: Insertion.
Coding change: c.1421_1422insCACACACTCCTTGACCCTCCAGCC on transcript NM_020778.5 (MANE Select); coding-DNA positions 1421 to 1422, CACACACTCCTTGACCCTCCAGCC inserted.
Protein change: p.Thr475_Arg476insHisSerLeuThrLeuGlnProThr.
Molecular consequence: inframe insertion.
Genome position: GRCh38 VCF-style: chr15-84840694-C-CCCAGCCCACACACTCCTTGACCCT. GRCh37 (hg19) VCF-style: chr15-85383925-C-CCCAGCCCACACACTCCTTGACCCT.
Identifiers: ClinVar variation 1932825 (VCV001932825.5), dbSNP rs1337242681, ClinGen allele CA619855179.